The following is an entry in ClinVar:

ClinVar aggregate classification (germline): Uncertain significance (1 of 4 stars; one submission).

Conditions:
Beta-D-mannosidosis (MANSB). Also called: MANNOSIDOSIS, BETA A, LYSOSOMAL; BETA-MANNOSIDASE DEFICIENCY; LYSOSOMAL BETA-MANNOSIDASE DEFICIENCY; Beta-Mannosidosis. Identifiers: Orphanet 118, MedGen C4048196, MONDO:0009562, OMIM 248510.

Allele frequency attached by ClinVar (database versions not stated): 1000 Genomes Project 0.00020; 1000 Genomes Project 30x 0.00016; gnomAD 0.00001.

Submission:

Labcorp Genetics (formerly Invitae), Labcorp
Classification: Uncertain significance for Beta-D-mannosidosis. Last evaluated: 2021-09-01. Review status: criteria provided, single submitter. Criteria: Invitae Variant Classification Sherloc (09022015). Collection method: clinical testing. Allele origin: germline.
Comment: This sequence change falls in intron 1 of the MANBA gene. It does not directly change the encoded amino acid sequence of the MANBA protein. It affects a nucleotide within the consensus splice site of the intron. This variant is not present in population databases (ExAC no frequency). This variant has not been reported in the literature in individuals affected with MANBA-related conditions. Variants that disrupt the consensus splice site are a relatively common cause of aberrant splicing (PMID: 17576681, 9536098). Algorithms developed to predict the effect of sequence changes on RNA splicing suggest that this variant is not likely to affect RNA splicing. In summary, the available evidence is currently insufficient to determine the role of this variant in disease. Therefore, it has been classified as a Variant of Uncertain Significance.

Literature cited by the submitters: PubMed 17576681; PubMed 9536098.

NM_005908.4(MANBA):c.178-3C>T

Gene: MANBA (mannosidase beta; minus strand). Cytogenetic location: 4q24.
Variant type: single nucleotide variant.
Coding change: c.178-3C>T on transcript NM_005908.4 (MANE Select); 3 bases into the intron before coding-DNA position 178, C replaced by T.
Molecular consequence: intron variant.
Genome position (GRCh38, 1-based): chr4:102,726,686, G>A on the plus strand (C>T on the coding strand, the complement: MANBA is on the minus strand). VCF-style: chr4-102726686-G-A. GRCh37 (hg19) VCF-style: chr4-103647843-G-A.
Identifiers: ClinVar variation 854075 (VCV000854075.4), dbSNP rs556686364, ClinGen allele CA103130370.